The following is an entry in ClinVar:

ClinVar aggregate classification (germline): Uncertain significance (1 of 4 stars; one submission).

Submission:

Labcorp Genetics (formerly Invitae), Labcorp
Classification: Uncertain significance. Last evaluated: 2024-04-22. Review status: criteria provided, single submitter. Criteria: Invitae Variant Classification Sherloc (09022015). Collection method: clinical testing. Allele origin: germline.
Comment: This sequence change replaces aspartic acid, which is acidic and polar, with valine, which is neutral and non-polar, at codon 722 of the DSG1 protein (p.Asp722Val). This variant is not present in population databases (gnomAD no frequency). This variant has not been reported in the literature in individuals affected with DSG1-related conditions. Advanced modeling of protein sequence and biophysical properties (such as structural, functional, and spatial information, amino acid conservation, physicochemical variation, residue mobility, and thermodynamic stability) performed at Invitae indicates that this missense variant is not expected to disrupt DSG1 protein function with a negative predictive value of 80%. In summary, the available evidence is currently insufficient to determine the role of this variant in disease. Therefore, it has been classified as a Variant of Uncertain Significance.

NM_001942.4(DSG1):c.2165A>T (p.Asp722Val)

Genes: DSG1 (desmoglein 1; plus strand), DSG1-AS1 (DSG1 antisense RNA 1; minus strand), LOC126862720 (MED14-independent group 3 enhancer GRCh37_chr18:28933613-28934812; plus strand). Cytogenetic location: 18q12.1.
Variant type: single nucleotide variant.
Coding change: c.2165A>T on transcript NM_001942.4 (MANE Select); coding-DNA position 2165, A replaced by T.
Protein change: p.Asp722Val; replaces aspartic acid 722 with valine.
Molecular consequence: missense variant. On other transcripts: non-coding transcript variant (1).
Genome position (GRCh38, 1-based): chr18:31,354,361, A>T. VCF-style: chr18-31354361-A-T. GRCh37 (hg19) VCF-style: chr18-28934324-A-T.
Other names: short protein forms D722V.
Identifiers: ClinVar variation 3650550 (VCV003650550.2).
Genomic context (GRCh38, chr18:31,354,361, plus strand): 5'-CATATGCTTACGCAGATGAAGATGAAGGACGCCCATCTAATGACTGTTTGCTCATATATG[A>T]CATCGAAGGTGTAGGTTCCCCTGCTGGCTCTGTGGGTTGTTGTAGCTTCATTGGAGAAGA-3'
Protein context (NP_001933.2, residues 712-732): RPSNDCLLIY[Asp722Val]IEGVGSPAGS